The following is an entry in ClinVar:

NM_000836.4(GRIN2D):c.288G>A (p.Pro96=)

Gene: GRIN2D (glutamate ionotropic receptor NMDA type subunit 2D; plus strand). Cytogenetic location: 19q13.33.
Variant type: single nucleotide variant.
Coding change: c.288G>A on transcript NM_000836.4 (MANE Select); coding-DNA position 288, G replaced by A.
Protein change: p.Pro96=; no amino-acid change (proline 96 retained).
Molecular consequence: synonymous variant.
Genome position (GRCh38, 1-based): chr19:48,398,680, G>A. VCF-style: chr19-48398680-G-A. GRCh37 (hg19) VCF-style: chr19-48901937-G-A.
Identifiers: ClinVar variation 3239161 (VCV003239161.19), dbSNP rs1600967466.

ClinVar aggregate classification (germline): Likely benign (1 of 4 stars; one submission).

Allele frequency attached by ClinVar (database versions not stated): TOPMed below 0.00001; gnomAD 0.00001.
gnomAD v4.1: 6 of 1,458,054 alleles (0.00041%); highest among the groups gnomAD compares: African/African-American, 0.0029%; no homozygotes.

Submission:

CeGaT Center for Human Genetics Tuebingen
Classification: Likely benign. Last evaluated: 2024-05-01. Review status: criteria provided, single submitter. Criteria: CeGaT Center For Human Genetics Tuebingen Variant Classification Criteria Version 2. Collection method: clinical testing. Allele origin: germline. Affected: yes. Observed: 1 variant allele.
Comment: GRIN2D: BP4, BP7